The following is an entry in ClinVar:

NM_000018.4(ACADVL):c.477+8C>T

Gene: ACADVL (acyl-CoA dehydrogenase very long chain; plus strand). Cytogenetic location: 17p13.1.
Variant type: single nucleotide variant.
Coding change: c.477+8C>T on transcript NM_000018.4 (MANE Select); 8 bases into the intron after coding-DNA position 477, C replaced by T.
Molecular consequence: intron variant.
Genome position (GRCh38, 1-based): chr17:7,221,066, C>T. VCF-style: chr17-7221066-C-T. GRCh37 (hg19) VCF-style: chr17-7124385-C-T.
Other names: c.546+8C>T (NM_001270447.2); c.249+8C>T (NM_001270448.2); c.411+8C>T (NM_001033859.3).
Identifiers: ClinVar variation 932886 (VCV000932886.7), dbSNP rs1437698813, ClinGen allele CA624860652.

ClinVar aggregate classification (germline): Conflicting classifications of pathogenicity. Review status: criteria provided, conflicting classifications (1 of 4 stars). 2 submissions from 2 submitters: Uncertain significance (1); Likely benign (1). Last evaluated 2025-12-16.

Conditions:
Very long chain acyl-CoA dehydrogenase deficiency (ACADVLD). Also called: Very Long-Chain Acyl-Coenzyme A Dehydrogenase Deficiency; VLCAD Deficiency. Identifiers: Orphanet 26793, MedGen C3887523, MONDO:0008723, OMIM 201475.

Allele frequency attached by ClinVar (database versions not stated): TOPMed below 0.00001; gnomAD exomes 0.00001; gnomAD 0.00002.
gnomAD v4.1: 13 of 1,612,928 alleles (0.00081%); highest among the groups gnomAD compares: African/African-American, 0.0053%; no homozygotes.

Submissions (2):

Labcorp Genetics (formerly Invitae), Labcorp
Classification: Likely benign for Very long chain acyl-CoA dehydrogenase deficiency. Last evaluated: 2025-12-16. Review status: criteria provided, single submitter. Criteria: Invitae Variant Classification Sherloc (09022015). Collection method: clinical testing. Allele origin: germline.

Wong Mito Lab, Molecular and Human Genetics, Baylor College of Medicine
Classification: Uncertain significance for Very long chain acyl-CoA dehydrogenase deficiency. Last evaluated: 2019-11-01. Review status: criteria provided, single submitter. Criteria: ACMG Guidelines, 2015. Collection method: clinical testing. Allele origin: germline.
Comment: The NM_000018.3:c.477+8C>T (NP_000009.1:p.?) [GRCH38: NC_000017.11:g.7221066C>T] variant in ACADVL gene is interpretated to be Uncertain Significance based on ACMG guidelines (PMID: 25741868). This variant has been reported. This variant dose not meet any evidence codes reported in the ACMG guidelines.